The following is an entry in ClinVar:

ClinVar aggregate classification (germline): Uncertain significance (1 of 4 stars; one submission).

Submission:

Labcorp Genetics (formerly Invitae), Labcorp
Classification: Uncertain significance. Last evaluated: 2024-11-30. Review status: criteria provided, single submitter. Criteria: Invitae Variant Classification Sherloc (09022015). Collection method: clinical testing. Allele origin: germline.
Comment: This sequence change replaces tyrosine, which is neutral and polar, with serine, which is neutral and polar, at codon 3779 of the USH2A protein (p.Tyr3779Ser). This variant is not present in population databases (gnomAD no frequency). This variant has not been reported in the literature in individuals affected with USH2A-related conditions. Invitae Evidence Modeling of protein sequence and biophysical properties (such as structural, functional, and spatial information, amino acid conservation, physicochemical variation, residue mobility, and thermodynamic stability) indicates that this missense variant is not expected to disrupt USH2A protein function with a negative predictive value of 95%. In summary, the available evidence is currently insufficient to determine the role of this variant in disease. Therefore, it has been classified as a Variant of Uncertain Significance.

NM_206933.4(USH2A):c.11336A>C (p.Tyr3779Ser)

Gene: USH2A (usherin; minus strand). Cytogenetic location: 1q41.
Variant type: single nucleotide variant.
Coding change: c.11336A>C on transcript NM_206933.4 (MANE Select); coding-DNA position 11336, A replaced by C.
Protein change: p.Tyr3779Ser; replaces tyrosine 3779 with serine.
Molecular consequence: missense variant.
Genome position (GRCh38, 1-based): chr1:215,758,648, T>G on the plus strand (A>C on the coding strand, the complement: USH2A is on the minus strand). VCF-style: chr1-215758648-T-G. GRCh37 (hg19) VCF-style: chr1-215931990-T-G.
Other names: short protein forms Y3779S.
Identifiers: ClinVar variation 3690913 (VCV003690913.2).
Genomic context (GRCh38, chr1:215,758,648, plus strand): 5'-TTTTTACCTGGTGGTATCCAAGCTACAAATATAGAATAAGGCCCAATTACTGTGATATTA[T>G]ATGGAGGATAGATTTCTTCTGGTGTTGACATAGGTGTTTGAACAATGTAATCATCACTAG-3'
Protein context (NP_996816.3, residues 3769-3789): MSTPEEIYPP[Tyr3779Ser]NITVIGPYSI